The following is an entry in ClinVar:

NM_015215.4(CAMTA1):c.3653A>C (p.Asn1218Thr)

Gene: CAMTA1 (calmodulin binding transcription activator 1; plus strand). Cytogenetic location: 1p36.23.
Variant type: single nucleotide variant.
Coding change: c.3653A>C on transcript NM_015215.4 (MANE Select); coding-DNA position 3653, A replaced by C.
Protein change: p.Asn1218Thr; replaces asparagine 1218 with threonine.
Molecular consequence: missense variant.
Genome position (GRCh38, 1-based): chr1:7,737,565, A>C. VCF-style: chr1-7737565-A-C. GRCh37 (hg19) VCF-style: chr1-7797625-A-C.
Other names: p.Asn1218Thr; c.3563A>C, p.Asn1188Thr (NM_001349608.2, NM_001349612.2); c.3653A>C, p.Asn1218Thr (NM_001349609.2, NM_001349610.2); c.782A>C, p.Asn261Thr (NM_001349613.1); c.725A>C, p.Asn242Thr (NM_001349614.1, NM_001349615.2, NM_001349616.2 and 10 more transcripts); short protein forms N1188T, N1218T, N242T, N261T.
Identifiers: ClinVar variation 714195 (VCV000714195.39), dbSNP rs41278954, ClinGen allele CA566992.
Genomic context (GRCh38, chr1:7,737,565, plus strand): 5'-ACAGCGAAGCCATCAGCTCTCCAGAAATACCCAAGGGAGTCACTGTTATTGCAAGCACCA[A>C]CCCAGGTAAGAATTCAGAATCATGACATCTCAGAGCTTGACAGAGATCCCGTTTGCTTTC-3'
Protein context (NP_056030.1, residues 1208-1228): PKGVTVIAST[Asn1218Thr]PELRRPRSEP

ClinVar aggregate classification (germline): Benign. Review status: criteria provided, multiple submitters, no conflicts (2 of 4 stars). 6 submissions from 6 submitters: Benign (5). 1 of the submissions does not count toward it. Last evaluated 2026-09-01.

Conditions:
Cerebellar dysfunction with variable cognitive and behavioral abnormalities (CECBA). Also called: Nonprogressive cerebellar atxia with intellectual disability. Identifiers: Orphanet 314647, MedGen C3553661, MONDO:0013886, OMIM 614756.
Intellectual disability. Also called: Intellectual functioning disability; intellectual disabilities; Intellectual developmental disorder. Identifiers: MedGen C3714756, MeSH D008607, MONDO:0001071, HP:0001249.

Allele frequency attached by ClinVar (database versions not stated): 1000 Genomes Project 30x 0.00234; 1000 Genomes Project 0.00280; TOPMed 0.00292; ESP Exome Variant Server 0.00300; gnomAD 0.00712 and 0.00753; ExAC 0.00820.
gnomAD v4.1: 10,621 of 1,601,778 alleles (0.66%); highest among the groups gnomAD compares: Non-Finnish European, 0.55%; 111 homozygotes.

Submissions (6):

CeGaT Center for Human Genetics Tuebingen
Classification: Benign. Last evaluated: 2026-09-01. Review status: criteria provided, single submitter. Criteria: CeGaT Center For Human Genetics Tuebingen Variant Classification Criteria Version 2. Collection method: clinical testing. Allele origin: germline. Affected: yes. Observed: 28 variant alleles.
Comment: CAMTA1: BS1, BS2

Labcorp Genetics (formerly Invitae), Labcorp
Classification: Benign. Last evaluated: 2026-01-15. Review status: criteria provided, single submitter. Criteria: Invitae Variant Classification Sherloc (09022015). Collection method: clinical testing. Allele origin: germline.

Mayo Clinic Laboratories, Mayo Clinic
Classification: Benign. Last evaluated: 2023-07-22. Review status: criteria provided, single submitter. Criteria: ACMG Guidelines, 2015. Collection method: clinical testing. Allele origin: germline. Observed: 5 variant alleles.

Fulgent Genetics
Classification: Benign for Cerebellar dysfunction with variable cognitive and behavioral abnormalities. Last evaluated: 2021-09-20. Review status: criteria provided, single submitter. Criteria: ACMG Guidelines, 2015. Collection method: clinical testing. Allele origin: unknown.

Breakthrough Genomics
Classification: Benign. Review status: criteria provided, single submitter. Criteria: ACMG Guidelines, 2015. Collection method: not provided. Allele origin: germline. Inheritance: Autosomal dominant inheritance. Affected: yes.

Centre de Biologie Pathologie Génétique, Centre Hospitalier Universitaire de Lille
Classification: Likely benign for Intellectual disability. Last evaluated: 2019-01-01. Review status: no assertion criteria provided. Collection method: clinical testing. Allele origin: inherited. Affected: yes. Not counted in ClinVar's aggregate classification.